The following is an entry in ClinVar:

ClinVar aggregate classification (germline): Uncertain significance. Review status: criteria provided, multiple submitters, no conflicts (2 of 4 stars). 3 submissions from 3 submitters: Uncertain significance (3). Last evaluated 2024-10-02.

Conditions:
Colorectal cancer, susceptibility to, 1. Also called: COLORECTAL ADENOMA AND CANCER, SUSCEPTIBILITY TO; COLORECTAL CANCER, SUSCEPTIBILITY TO, ON CHROMOSOME 9. Identifiers: MedGen C1837315, MONDO:0012132, OMIM 608812.

Allele frequency attached by ClinVar (database versions not stated): gnomAD 0.00001.

Submissions (3):

Ambry Genetics
Classification: Uncertain significance. Last evaluated: 2024-10-02. Review status: criteria provided, single submitter. Criteria: Ambry Variant Classification Scheme 2023. Collection method: clinical testing. Allele origin: germline.
Comment: The p.R38Q variant (also known as c.113G>A), located in coding exon 1 of the GALNT12 gene, results from a G to A substitution at nucleotide position 113. The arginine at codon 38 is replaced by glutamine, an amino acid with highly similar properties. This amino acid position is well conserved in available vertebrate species. In addition, this alteration is predicted to be tolerated by in silico analysis. Since supporting evidence is limited at this time, the clinical significance of this alteration remains unclear.

Quest Diagnostics Nichols Institute San Juan Capistrano
Classification: Uncertain significance. Last evaluated: 2024-01-25. Review status: criteria provided, single submitter. Criteria: Quest Diagnostics criteria. Collection method: clinical testing. Allele origin: unknown.
Comment: The GALNT12 c.113G>A (p.Arg38Gln) variant has not been reported in individuals with GALNT12-related conditions in the published literature. The frequency of this variant in the general population, 0.0000068 (1/147402 chromosomes (Genome Aggregation Database)), is uninformative in the assessment of its pathogenicity. Analysis of this variant using bioinformatics tools for the prediction of the effect of amino acid changes on protein structure and function yielded predictions that this variant is benign. Based on the available information, we are unable to determine the clinical significance of this variant.

Baylor Genetics
Classification: Uncertain significance for Colorectal cancer, susceptibility to, 1. Last evaluated: 2024-01-04. Review status: criteria provided, single submitter. Criteria: ACMG Guidelines, 2015. Collection method: clinical testing. Allele origin: unknown.

NM_024642.5(GALNT12):c.113G>A (p.Arg38Gln)

Genes: GALNT12 (polypeptide N-acetylgalactosaminyltransferase 12; plus strand), LOC130002222 (ATAC-STARR-seq lymphoblastoid silent region 20123; plus strand). Cytogenetic location: 9q22.33.
Variant type: single nucleotide variant.
Coding change: c.113G>A on transcript NM_024642.5 (MANE Select); coding-DNA position 113, G replaced by A.
Protein change: p.Arg38Gln; replaces arginine 38 with glutamine.
Molecular consequence: missense variant.
Genome position (GRCh38, 1-based): chr9:98,807,811, G>A. VCF-style: chr9-98807811-G-A. GRCh37 (hg19) VCF-style: chr9-101570093-G-A.
Other names: short protein forms R38Q.
Identifiers: ClinVar variation 1730871 (VCV001730871.5), dbSNP rs1401451719, ClinGen allele CA374222301.